The following is an entry in ClinVar:

ClinVar aggregate classification (germline): Benign (0 of 4 stars; one submission).

Conditions:
ACSS2-related disorder. Also called: ACSS2-related condition.

Allele frequency attached by ClinVar (database versions not stated): 1000 Genomes Project 0.00040; 1000 Genomes Project 30x 0.00078; TOPMed 0.00206; gnomAD 0.00240; ESP Exome Variant Server 0.00254; ExAC 0.00278; gnomAD exomes 0.00309.
gnomAD v4.1: 4,828 of 1,613,956 alleles (0.3%); highest among the groups gnomAD compares: Non-Finnish European, 0.34%; 9 homozygotes.

Submission:

PreventionGenetics, part of Exact Sciences
Classification: Benign for ACSS2-related condition. Last evaluated: 2019-12-16. Review status: no assertion criteria provided. Collection method: clinical testing. Allele origin: germline.
Comment: This variant is classified as benign based on ACMG/AMP sequence variant interpretation guidelines (Richards et al. 2015 PMID: 25741868, with internal and published modifications).

NM_018677.4(ACSS2):c.989T>C (p.Val330Ala)

Gene: ACSS2 (acyl-CoA synthetase short chain family member 2; plus strand). Cytogenetic location: 20q11.22.
Variant type: single nucleotide variant.
Coding change: c.989T>C on transcript NM_018677.4 (MANE Select); coding-DNA position 989, T replaced by C.
Protein change: p.Val330Ala; replaces valine 330 with alanine.
Molecular consequence: missense variant.
Genome position (GRCh38, 1-based): chr20:34,920,555, T>C. VCF-style: chr20-34920555-T-C. GRCh37 (hg19) VCF-style: chr20-33508358-T-C.
Other names: c.1028T>C, p.Val343Ala (NM_001076552.3); c.704T>C, p.Val235Ala (NM_001242393.2); short protein forms V235A, V330A, V343A.
Identifiers: ClinVar variation 3045466 (VCV003045466.2), dbSNP rs59126805, ClinGen allele CA9825459.